The following is an entry in ClinVar:

ClinVar aggregate classification (germline): Uncertain significance (1 of 4 stars; one submission).

Conditions:
Tuberous sclerosis 2 (TSC2). Identifiers: Orphanet 805, MedGen C1860707, MONDO:0013199, OMIM 613254.

Submission:

Labcorp Genetics (formerly Invitae), Labcorp
Classification: Uncertain significance for Tuberous sclerosis 2. Last evaluated: 2024-08-31. Review status: criteria provided, single submitter. Criteria: Invitae Variant Classification Sherloc (09022015). Collection method: clinical testing. Allele origin: germline.
Comment: This sequence change replaces glutamine, which is neutral and polar, with arginine, which is basic and polar, at codon 110 of the TSC2 protein (p.Gln110Arg). This variant is not present in population databases (gnomAD no frequency). This variant has not been reported in the literature in individuals affected with TSC2-related conditions. ClinVar contains an entry for this variant (Variation ID: 950213). Invitae Evidence Modeling of protein sequence and biophysical properties (such as structural, functional, and spatial information, amino acid conservation, physicochemical variation, residue mobility, and thermodynamic stability) indicates that this missense variant is not expected to disrupt TSC2 protein function with a negative predictive value of 95%. In summary, the available evidence is currently insufficient to determine the role of this variant in disease. Therefore, it has been classified as a Variant of Uncertain Significance.

NM_000548.5(TSC2):c.329A>G (p.Gln110Arg)

Gene: TSC2 (TSC complex subunit 2; plus strand). Cytogenetic location: 16p13.3.
Variant type: single nucleotide variant.
Coding change: c.329A>G on transcript NM_000548.5 (MANE Select); coding-DNA position 329, A replaced by G.
Protein change: p.Gln110Arg; replaces glutamine 110 with arginine.
Molecular consequence: missense variant. On other transcripts: intron variant (2).
Genome position (GRCh38, 1-based): chr16:2,053,445, A>G. VCF-style: chr16-2053445-A-G. GRCh37 (hg19) VCF-style: chr16-2103446-A-G.
Other names: c.329A>G, p.Gln110Arg (NM_001077183.3, NM_001114382.3, NM_001363528.2 and 3 more transcripts); c.182A>G, p.Gln61Arg (NM_001318829.2); c.362A>G, p.Gln121Arg (NM_001318832.2); c.226-851A>G (NM_001318827.2); c.-1-2751A>G (NM_001318831.2); short protein forms Q121R, Q61R, Q110R.
Identifiers: ClinVar variation 950213 (VCV000950213.9), dbSNP rs2085376654, ClinGen allele CA394306034.
Genomic context (GRCh38, chr16:2,053,445, plus strand): 5'-AGCCGGAGCGGCCGCTGGAGGCCCGGCACGCGGTGCTGGCTCTGCTGAAGGCCATCGTGC[A>G]GGGGCAGGTAAGGCCCAGGGCGACGCTGGGATGGGTGACGTCAGGCTGCCCACTGACTGT-3'
Protein context (NP_000539.2, residues 100-120): AVLALLKAIV[Gln110Arg]GQGERLGVLR